The following is an entry in ClinVar:

ClinVar aggregate classification (germline): Pathogenic (1 of 4 stars; one submission).

Conditions:
CHARGE syndrome (CHARGE). Also called: Hittner Hirsch Kreh syndrome; CHARGE ASSOCIATION--COLOBOMA, HEART ANOMALY, CHOANAL ATRESIA, RETARDATION, GENITAL AND EAR ANOMALIES; Coloboma, heart anomaly, choanal atresia, retardation, genital and ear anomalies; CHARGE association; Hall-Hittner syndrome. Identifiers: Orphanet 138, MedGen C0265354, MONDO:0008965.

Submission:

Labcorp Genetics (formerly Invitae), Labcorp
Classification: Pathogenic for CHARGE syndrome. Last evaluated: 2022-08-05. Review status: criteria provided, single submitter. Criteria: Invitae Variant Classification Sherloc (09022015). Collection method: clinical testing. Allele origin: germline.
Comment: For these reasons, this variant has been classified as Pathogenic. This premature translational stop signal has been observed in individual(s) with clinical features of CHARGE syndrome (PMID: 22461308). This variant is not present in population databases (gnomAD no frequency). This sequence change creates a premature translational stop signal (p.Glu1459*) in the CHD7 gene. It is expected to result in an absent or disrupted protein product. Loss-of-function variants in CHD7 are known to be pathogenic (PMID: 22461308, 25077900).

Literature cited by the submitters: PubMed 22461308; PubMed 25077900.

NM_017780.4(CHD7):c.4375G>T (p.Glu1459Ter)

Gene: CHD7 (chromodomain helicase DNA binding protein 7; plus strand). Cytogenetic location: 8q12.2.
Variant type: single nucleotide variant.
Coding change: c.4375G>T on transcript NM_017780.4 (MANE Select); coding-DNA position 4375, G replaced by T.
Protein change: p.Glu1459Ter; replaces glutamic acid 1459 with a stop codon.
Molecular consequence: nonsense. On other transcripts: intron variant (1).
Genome position (GRCh38, 1-based): chr8:60,838,097, G>T. VCF-style: chr8-60838097-G-T. GRCh37 (hg19) VCF-style: chr8-61750656-G-T.
Other names: c.1717-24132G>T (NM_001316690.1); short protein forms E1459*.
Identifiers: ClinVar variation 2136674 (VCV002136674.4), dbSNP rs1220292735, ClinGen allele CA371318088.